The following is an entry in ClinVar:

NM_001040118.3(ARAP1):c.513G>T (p.Leu171=)

Gene: ARAP1 (ArfGAP with RhoGAP domain, ankyrin repeat and PH domain 1; minus strand). Cytogenetic location: 11q13.4.
Variant type: single nucleotide variant.
Coding change: c.513G>T on transcript NM_001040118.3 (MANE Select); coding-DNA position 513, G replaced by T.
Protein change: p.Leu171=; no amino-acid change (leucine 171 retained).
Molecular consequence: synonymous variant. On other transcripts: 5 prime UTR variant (3), non-coding transcript variant (1).
Genome position (GRCh38, 1-based): chr11:72,714,318, C>A on the plus strand (G>T on the coding strand, the complement: ARAP1 is on the minus strand). VCF-style: chr11-72714318-C-A. GRCh37 (hg19) VCF-style: chr11-72425363-C-A.
Other names: NC_000011.9:g.72425363C>A; c.-223G>T (NM_001135190.2, NM_001369489.1, NM_015242.5 and 1 more transcripts).
Identifiers: ClinVar variation 2642130 (VCV002642130.25), dbSNP rs147666555, ClinGen allele CA6174271.
Genomic context (GRCh38, chr11:72,714,318, plus strand): 5'-AGACTGTGGCTGGGGAGGGGATGATAATGATGGCAGCAATGACTCCTCCTCCTTAGTGGG[C>A]AGGCTGGGAACACAACAAAAGTTGGGCATCACTAAGCAACAGAGCCAAGACTGAAACATA-3'
Protein context (NP_001035207.1, residues 161-181): RTGPPRLLVS[Leu171=]PTKEEESLLP

ClinVar aggregate classification (germline): Likely benign (1 of 4 stars; one submission).

Allele frequency attached by ClinVar (database versions not stated): 1000 Genomes Project 30x 0.00031; 1000 Genomes Project 0.00040; ESP Exome Variant Server 0.00120; gnomAD 0.00153; TOPMed 0.00168; gnomAD exomes 0.00183; ExAC 0.00214.
gnomAD v4.1: 2,755 of 1,547,932 alleles (0.18%); highest among the groups gnomAD compares: Admixed American, 0.33%; 5 homozygotes.

Submissions (15):

CeGaT Center for Human Genetics Tuebingen
Classification: Likely benign. Last evaluated: 2023-04-01. Review status: criteria provided, single submitter. Criteria: CeGaT Center For Human Genetics Tuebingen Variant Classification Criteria Version 2. Collection method: clinical testing. Allele origin: germline. Affected: yes. Observed: 1 variant allele.
Comment: ARAP1: BP4, BP7

Dr. Peter K. Rogan Lab, Western University
No classification provided (evidence only). Condition: Melanoma. Review status: no classification provided. Collection method: in vitro. Allele origin: not applicable. Functional consequence: retained intron. Not counted in ClinVar's aggregate classification.

Dr. Peter K. Rogan Lab, Western University
No classification provided (evidence only). Condition: Familial cancer of breast. Review status: no classification provided. Collection method: in vitro. Allele origin: not applicable. Functional consequence: retained intron. Not counted in ClinVar's aggregate classification.

Dr. Peter K. Rogan Lab, Western University
No classification provided (evidence only). Condition: Familial cancer of breast. Review status: no classification provided. Collection method: in vitro. Allele origin: not applicable. Functional consequence: retained intron. Not counted in ClinVar's aggregate classification.

Dr. Peter K. Rogan Lab, Western University
No classification provided (evidence only). Condition: Familial cancer of breast. Review status: no classification provided. Collection method: in vitro. Allele origin: not applicable. Functional consequence: retained intron. Not counted in ClinVar's aggregate classification.

Dr. Peter K. Rogan Lab, Western University
No classification provided (evidence only). Condition: Familial cancer of breast. Review status: no classification provided. Collection method: in vitro. Allele origin: not applicable. Functional consequence: retained intron. Not counted in ClinVar's aggregate classification.

Dr. Peter K. Rogan Lab, Western University
No classification provided (evidence only). Condition: Acute myeloid leukemia. Review status: no classification provided. Collection method: in vitro. Allele origin: not applicable. Functional consequence: retained intron. Not counted in ClinVar's aggregate classification.

Dr. Peter K. Rogan Lab, Western University
No classification provided (evidence only). Condition: Colon adenocarcinoma. Review status: no classification provided. Collection method: in vitro. Allele origin: not applicable. Functional consequence: retained intron. Not counted in ClinVar's aggregate classification.

Dr. Peter K. Rogan Lab, Western University
No classification provided (evidence only). Condition: Thyroid cancer, nonmedullary, 1. Review status: no classification provided. Collection method: in vitro. Allele origin: not applicable. Functional consequence: retained intron. Not counted in ClinVar's aggregate classification.

Dr. Peter K. Rogan Lab, Western University
No classification provided (evidence only). Condition: Uterine corpus endometrial carcinoma. Review status: no classification provided. Collection method: in vitro. Allele origin: not applicable. Functional consequence: retained intron. Not counted in ClinVar's aggregate classification.

Dr. Peter K. Rogan Lab, Western University
No classification provided (evidence only). Condition: Sarcoma. Review status: no classification provided. Collection method: in vitro. Allele origin: not applicable. Functional consequence: retained intron. Not counted in ClinVar's aggregate classification.

Dr. Peter K. Rogan Lab, Western University
No classification provided (evidence only). Condition: Nonpapillary renal cell carcinoma. Review status: no classification provided. Collection method: in vitro. Allele origin: not applicable. Functional consequence: retained intron. Not counted in ClinVar's aggregate classification.

Dr. Peter K. Rogan Lab, Western University
No classification provided (evidence only). Condition: Ovarian serous cystadenocarcinoma. Review status: no classification provided. Collection method: in vitro. Allele origin: not applicable. Functional consequence: retained intron. Not counted in ClinVar's aggregate classification.

Dr. Peter K. Rogan Lab, Western University
No classification provided (evidence only). Condition: Ovarian serous cystadenocarcinoma. Review status: no classification provided. Collection method: in vitro. Allele origin: not applicable. Functional consequence: retained intron. Not counted in ClinVar's aggregate classification.

Dr. Peter K. Rogan Lab, Western University
No classification provided (evidence only). Condition: Ovarian serous cystadenocarcinoma. Review status: no classification provided. Collection method: in vitro. Allele origin: not applicable. Functional consequence: retained intron. Not counted in ClinVar's aggregate classification.